The following is an entry in ClinVar:

ClinVar aggregate classification (germline): Pathogenic. Review status: criteria provided, single submitter (1 of 4 stars). 2 submissions from 2 submitters: Pathogenic (1). 1 of the submissions does not count toward it. Last evaluated 2022-11-29.

Conditions:
Retinal dystrophy. Also called: Inherited retinal dystrophy. Identifiers: Orphanet 71862, MedGen C0854723, MeSH D058499, MONDO:0019118, HP:0000556.

Submissions (2):

Labcorp Genetics (formerly Invitae), Labcorp
Classification: Pathogenic. Last evaluated: 2022-11-29. Review status: criteria provided, single submitter. Criteria: Invitae Variant Classification Sherloc (09022015). Collection method: clinical testing. Allele origin: germline.
Comment: This variant is not present in population databases (gnomAD no frequency). This sequence change creates a premature translational stop signal (p.Lys4683Asnfs*6) in the USH2A gene. It is expected to result in an absent or disrupted protein product. Loss-of-function variants in USH2A are known to be pathogenic (PMID: 10729113, 10909849, 20507924, 25649381). This variant has not been reported in the literature in individuals affected with USH2A-related conditions. For these reasons, this variant has been classified as Pathogenic.

Institute of Human Genetics, Univ. Regensburg, Univ. Regensburg
Classification: Pathogenic for Retinal dystrophy. Last evaluated: 2019-01-01. Review status: no assertion criteria provided. Criteria: ACMG Guidelines, 2015. Collection method: clinical testing. Allele origin: germline. Affected: yes. Not counted in ClinVar's aggregate classification.

Literature cited by the submitters: PubMed 10729113 (cited by Labcorp Genetics (formerly Invitae), Labcorp); PubMed 10909849 (cited by Labcorp Genetics (formerly Invitae), Labcorp); PubMed 20507924 (cited by Labcorp Genetics (formerly Invitae), Labcorp); PubMed 25649381 (cited by Labcorp Genetics (formerly Invitae), Labcorp).

NM_206933.4(USH2A):c.14049del (p.Lys4683fs)

Gene: USH2A (usherin; minus strand). Cytogenetic location: 1q41.
Variant type: Deletion.
Coding change: c.14049del on transcript NM_206933.4 (MANE Select); coding-DNA position 14049, one base deleted (A; older notation c.14049delA).
Protein change: p.Lys4683fs; shifts the reading frame from lysine 4683.
Molecular consequence: frameshift variant.
Genome position (GRCh38, 1-based): chr1:215,671,056, T deleted on the plus strand (A on the coding strand, the reverse complement: USH2A is on the minus strand); the first of 4 consecutive T bases (chr1:215,671,056-215,671,059); deleting any one gives the same sequence. VCF-style (leftmost placement, unchanged base first): chr1-215671055-AT-A. GRCh37 (hg19) VCF-style: chr1-215844397-AT-A.
Other names: short protein forms K4683fs.
Identifiers: ClinVar variation 2125156 (VCV002125156.5), dbSNP rs2464880690, ClinGen allele CA2580062045.